The following is an entry in ClinVar:

NM_014978.3(SORCS3):c.250C>A (p.Arg84=)

Gene: SORCS3 (sortilin related VPS10 domain containing receptor 3; plus strand). Cytogenetic location: 10q25.1.
Variant type: single nucleotide variant.
Coding change: c.250C>A on transcript NM_014978.3 (MANE Select); coding-DNA position 250, C replaced by A.
Protein change: p.Arg84=; no amino-acid change (arginine 84 retained).
Molecular consequence: synonymous variant.
Genome position (GRCh38, 1-based): chr10:104,641,577, C>A. VCF-style: chr10-104641577-C-A. GRCh37 (hg19) VCF-style: chr10-106401335-C-A.
Identifiers: ClinVar variation 3049838 (VCV003049838.2), dbSNP rs896551212, ClinGen allele CA212669104.

ClinVar aggregate classification (germline): Likely benign (0 of 4 stars; one submission).

Conditions:
SORCS3-related disorder. Also called: SORCS3-related condition.

Allele frequency attached by ClinVar (database versions not stated): gnomAD 0.00001; TOPMed 0.00001; gnomAD exomes 0.00003.
gnomAD v4.1: 43 of 1,476,492 alleles (0.0029%); highest among the groups gnomAD compares: East Asian, 0.12%; no homozygotes.

Submission:

PreventionGenetics, part of Exact Sciences
Classification: Likely benign for SORCS3-related condition. Last evaluated: 2023-04-08. Review status: no assertion criteria provided. Collection method: clinical testing. Allele origin: germline.
Comment: This variant is classified as likely benign based on ACMG/AMP sequence variant interpretation guidelines (Richards et al. 2015 PMID: 25741868, with internal and published modifications).